The following is an entry in ClinVar:

NM_004807.3(HS6ST1):c.1054A>C (p.Lys352Gln)

Gene: HS6ST1 (heparan sulfate 6-O-sulfotransferase 1; minus strand). Cytogenetic location: 2q14.3.
Variant type: single nucleotide variant.
Coding change: c.1054A>C on transcript NM_004807.3 (MANE Select); coding-DNA position 1054, A replaced by C.
Protein change: p.Lys352Gln; replaces lysine 352 with glutamine.
Molecular consequence: missense variant.
Genome position (GRCh38, 1-based): chr2:128,268,344, T>G on the plus strand (A>C on the coding strand, the complement: HS6ST1 is on the minus strand). VCF-style: chr2-128268344-T-G. GRCh37 (hg19) VCF-style: chr2-129025918-T-G.
Other names: short protein forms K352Q.
Identifiers: ClinVar variation 3906679 (VCV003906679.1).

ClinVar aggregate classification (germline): Uncertain significance (1 of 4 stars; one submission).

Submission:

GeneDx
Classification: Uncertain significance. Last evaluated: 2024-12-16. Review status: criteria provided, single submitter. Criteria: GeneDx Variant Classification Process June 2021. Collection method: clinical testing. Allele origin: germline. Affected: yes.
Comment: Not observed at significant frequency in large population cohorts (gnomAD); In silico analysis supports that this missense variant has a deleterious effect on protein structure/function; Has not been previously published as pathogenic or benign to our knowledge